The following is an entry in ClinVar:

NM_004415.4(DSP):c.7254dup (p.Asn2419fs)

Gene: DSP (desmoplakin; plus strand). Cytogenetic location: 6p24.3.
Variant type: Duplication.
Coding change: c.7254dup on transcript NM_004415.4 (MANE Select); coding-DNA position 7254, one base duplicated (C; older notation c.7254dupC).
Protein change: p.Asn2419fs; shifts the reading frame from asparagine 2419.
Molecular consequence: frameshift variant.
Genome position (GRCh38, 1-based): chr6:7,584,516, C duplicated; the last of 4 consecutive C bases (chr6:7,584,513-7,584,516); duplicating any one gives the same sequence. VCF-style (leftmost placement, unchanged base first): chr6-7584512-A-AC. GRCh37 (hg19) VCF-style: chr6-7584745-A-AC.
Other names: c.5457dup, p.Asn1820fs (NM_001008844.3); c.5925dup, p.Asn1976fs (NM_001319034.2); short protein forms N1976fs, N2419fs, N1820fs.
Identifiers: ClinVar variation 2024439 (VCV002024439.4), dbSNP rs2533944765, ClinGen allele CA2580075355.

ClinVar aggregate classification (germline): Pathogenic (1 of 4 stars; one submission).

Conditions:
Arrhythmogenic cardiomyopathy with wooly hair and keratoderma. Also called: PALMOPLANTAR KERATODERMA WITH LEFT VENTRICULAR CARDIOMYOPATHY AND WOOLLY HAIR; Carvajal syndrome; Arrhythmogenic cardiomyopathy with woolly hair and keratoderma; Dilated cardiomyopathy with woolly hair and keratoderma. Identifiers: Orphanet 65282, MedGen C1854063, MONDO:0011581, OMIM 605676.
Arrhythmogenic right ventricular dysplasia 8 (ARVD8). Also called: Arrhythmogenic Right Ventricular Dysplasia/Cardiomyopathy 8; ARRHYTHMOGENIC RIGHT VENTRICULAR CARDIOMYOPATHY 8; ARRHYTHMOGENIC RIGHT VENTRICULAR DYSPLASIA, FAMILIAL, 8. Identifiers: MedGen C1843896, MONDO:0011831, OMIM 607450.

Submission:

Labcorp Genetics (formerly Invitae), Labcorp
Classification: Pathogenic for Arrhythmogenic cardiomyopathy with wooly hair and keratoderma; Arrhythmogenic right ventricular dysplasia 8. Last evaluated: 2022-08-17. Review status: criteria provided, single submitter. Criteria: Invitae Variant Classification Sherloc (09022015). Collection method: clinical testing. Allele origin: germline.
Comment: For these reasons, this variant has been classified as Pathogenic. This variant disrupts a region of the DSP protein in which other variant(s) (p.Glu2728Glyfs*11) have been determined to be pathogenic (Invitae). This suggests that this is a clinically significant region of the protein, and that variants that disrupt it are likely to be disease-causing. This variant has not been reported in the literature in individuals affected with DSP-related conditions. This variant is not present in population databases (gnomAD no frequency). This sequence change creates a premature translational stop signal (p.Asn2419Glnfs*3) in the DSP gene. While this is not anticipated to result in nonsense mediated decay, it is expected to disrupt the last 453 amino acid(s) of the DSP protein.